The following is an entry in ClinVar:

NM_000787.4(DBH):c.1073G>A (p.Arg358Gln)

Gene: DBH (dopamine beta-hydroxylase; plus strand). Cytogenetic location: 9q34.2.
Variant type: single nucleotide variant.
Coding change: c.1073G>A on transcript NM_000787.4 (MANE Select); coding-DNA position 1073, G replaced by A.
Protein change: p.Arg358Gln; replaces arginine 358 with glutamine.
Molecular consequence: missense variant.
Genome position (GRCh38, 1-based): chr9:133,647,894, G>A. VCF-style: chr9-133647894-G-A. GRCh37 (hg19) VCF-style: chr9-136513016-G-A.
Other names: short protein forms R358Q.
Identifiers: ClinVar variation 2040103 (VCV002040103.4), dbSNP rs763373839, ClinGen allele CA5313305.

ClinVar aggregate classification (germline): Uncertain significance (1 of 4 stars; one submission).

Conditions:
Orthostatic hypotension 1 (ORTHYP1). Also called: NORADRENALINE DEFICIENCY; NOREPINEPHRINE DEFICIENCY; Orthostatic hypotension 1, due to DBH deficiency; Dopamine beta-hydroxylase deficiency. Identifiers: Orphanet 230, MedGen C4746777, MONDO:0009123, OMIM 223360.

Allele frequency attached by ClinVar (database versions not stated): gnomAD exomes 0.00001; ExAC 0.00002; gnomAD 0.00002; TOPMed 0.00004.
gnomAD v4.1: 15 of 1,614,076 alleles (0.00093%); highest among the groups gnomAD compares: African/African-American, 0.008%; no homozygotes.

Submission:

Labcorp Genetics (formerly Invitae), Labcorp
Classification: Uncertain significance for Orthostatic hypotension 1. Last evaluated: 2022-02-21. Review status: criteria provided, single submitter. Criteria: Invitae Variant Classification Sherloc (09022015). Collection method: clinical testing. Allele origin: germline.
Comment: This sequence change replaces arginine, which is basic and polar, with glutamine, which is neutral and polar, at codon 358 of the DBH protein (p.Arg358Gln). This variant is present in population databases (rs763373839, gnomAD 0.01%). This variant has not been reported in the literature in individuals affected with DBH-related conditions. Algorithms developed to predict the effect of missense changes on protein structure and function (SIFT, PolyPhen-2, Align-GVGD) all suggest that this variant is likely to be disruptive. In summary, the available evidence is currently insufficient to determine the role of this variant in disease. Therefore, it has been classified as a Variant of Uncertain Significance.